The following is an entry in ClinVar:

NM_004629.2(FANCG):c.55A>G (p.Lys19Glu)

Gene: FANCG (FA complementation group G; minus strand). Cytogenetic location: 9p13.3.
Variant type: single nucleotide variant.
Coding change: c.55A>G on transcript NM_004629.2 (MANE Select); coding-DNA position 55, A replaced by G.
Protein change: p.Lys19Glu; replaces lysine 19 with glutamic acid.
Molecular consequence: missense variant.
Genome position (GRCh38, 1-based): chr9:35,079,470, T>C on the plus strand (A>G on the coding strand, the complement: FANCG is on the minus strand). VCF-style: chr9-35079470-T-C. GRCh37 (hg19) VCF-style: chr9-35079467-T-C.
Other names: short protein forms K19E.
Identifiers: ClinVar variation 660038 (VCV000660038.10), dbSNP rs186641344, ClinGen allele CA5040162.
Genomic context (GRCh38, chr9:35,079,470, plus strand): 5'-TGCAAACCGAGGGTGCCAGCAACCGTGTTACCTTGGCCTGTCGAACGAGCCGGTCATTCT[T>C]TTCCCTCCACAGGTCCAGGCAGCTGGAGCCCACAGAGGTGGTCTGGCGGGACATGGTGGC-3'
Protein context (NP_004620.1, residues 9-29): GSSCLDLWRE[Lys19Glu]NDRLVRQAKV

ClinVar aggregate classification (germline): Conflicting classifications of pathogenicity. Review status: criteria provided, conflicting classifications (1 of 4 stars). 3 submissions from 3 submitters: Uncertain significance (2); Benign (1). Last evaluated 2024-12-12.

Conditions:
Fanconi anemia (FA). Also called: Fanconi's anemia. Identifiers: Orphanet 84, MedGen C0015625, MeSH D005199, MONDO:0019391.
Ovarian cancer. Also called: OVARIAN CANCER, SOMATIC. Identifiers: Orphanet 213500, MedGen C1140680, MONDO:0008170, OMIM 167000.

Allele frequency attached by ClinVar (database versions not stated): gnomAD exomes 0.00002 and 0.00012; gnomAD 0.00005; TOPMed 0.00006; ExAC 0.00013; 1000 Genomes Project 30x 0.00016; 1000 Genomes Project 0.00020.
gnomAD v4.1: 34 of 1,614,130 alleles (0.0021%); highest among the groups gnomAD compares: East Asian, 0.074%; no homozygotes.

Submissions (3):

Labcorp Genetics (formerly Invitae), Labcorp
Classification: Uncertain significance for Fanconi anemia. Last evaluated: 2024-12-12. Review status: criteria provided, single submitter. Criteria: Invitae Variant Classification Sherloc (09022015). Collection method: clinical testing. Allele origin: germline.
Comment: This sequence change replaces lysine, which is basic and polar, with glutamic acid, which is acidic and polar, at codon 19 of the FANCG protein (p.Lys19Glu). This variant is present in population databases (rs186641344, gnomAD 0.2%). This missense change has been observed in individual(s) with aplastic anemia (PMID: 36622392). ClinVar contains an entry for this variant (Variation ID: 660038). Invitae Evidence Modeling of protein sequence and biophysical properties (such as structural, functional, and spatial information, amino acid conservation, physicochemical variation, residue mobility, and thermodynamic stability) indicates that this missense variant is not expected to disrupt FANCG protein function with a negative predictive value of 80%. In summary, the available evidence is currently insufficient to determine the role of this variant in disease. Therefore, it has been classified as a Variant of Uncertain Significance.

Laboratory of Molecular Epidemiology of Birth Defects, West China Second University Hospital, Sichuan University
Classification: Benign for Ovarian cancer. Last evaluated: 2022-01-01. Review status: criteria provided, single submitter. Criteria: ACMG Guidelines, 2015. Collection method: clinical testing. Allele origin: germline. Affected: yes.

Genetic Services Laboratory, University of Chicago
Classification: Uncertain significance. Last evaluated: 2018-03-21. Review status: criteria provided, single submitter. Criteria: ACMG Guidelines, 2015. Collection method: clinical testing. Allele origin: germline. Affected: no.

Literature cited by the submitters: PubMed 36622392 (cited by Labcorp Genetics (formerly Invitae), Labcorp).